The following is an entry in ClinVar:

NM_148894.3(BOD1L1):c.6697G>A (p.Gly2233Ser)

Gene: BOD1L1 (biorientation of chromosomes in cell division 1 like 1; minus strand). Cytogenetic location: 4p15.33.
Variant type: single nucleotide variant.
Coding change: c.6697G>A on transcript NM_148894.3 (MANE Select); coding-DNA position 6697, G replaced by A.
Protein change: p.Gly2233Ser; replaces glycine 2233 with serine.
Molecular consequence: missense variant.
Genome position (GRCh38, 1-based): chr4:13,600,203, C>T on the plus strand (G>A on the coding strand, the complement: BOD1L1 is on the minus strand). VCF-style: chr4-13600203-C-T. GRCh37 (hg19) VCF-style: chr4-13601827-C-T.
Other names: short protein forms G2233S.
Identifiers: ClinVar variation 2654676 (VCV002654676.24), dbSNP rs144300104, ClinGen allele CA2861235.
Genomic context (GRCh38, chr4:13,600,203, plus strand): 5'-TCCCGTCTTTTTCTTCCATGACTGTGCCAGCTCGCTCATTTTCACTTTCAACAACTACAC[C>T]GGAAACAGAAGCCTCACATTCTTCTGCTATGCTAGTGGAAATGAGAGCACATTCATCCTT-3'
Protein context (NP_683692.2, residues 2223-2243): IAEECEASVS[Gly2233Ser]VVVESENERA

ClinVar aggregate classification (germline): Likely benign (1 of 4 stars; one submission).

Allele frequency attached by ClinVar (database versions not stated): ESP Exome Variant Server 0.00031.
gnomAD v4.1: 848 of 1,613,856 alleles (0.053%); highest among the groups gnomAD compares: Non-Finnish European, 0.058%; 1 homozygote.

Submission:

CeGaT Center for Human Genetics Tuebingen
Classification: Likely benign. Last evaluated: 2022-11-01. Review status: criteria provided, single submitter. Criteria: CeGaT Center For Human Genetics Tuebingen Variant Classification Criteria Version 2. Collection method: clinical testing. Allele origin: germline. Affected: yes. Observed: 1 variant allele.
Comment: BOD1L1: BP4